The following continues an entry in ClinVar:

NM_007294.4(BRCA1):c.3436_3439del (p.Cys1146fs)

ClinVar aggregate classification (germline): Pathogenic. Pathogenic (1).

Submissions 12 to 17 of 17:

GeneDx
Classification: Pathogenic. Last evaluated: 2014-12-08. Review status: criteria provided, single submitter. Criteria: GeneDx Variant Classification (06012015). Collection method: clinical testing. Allele origin: germline. Affected: yes. Not counted in ClinVar's aggregate classification.
Comment: This deletion of four nucleotides in BRCA1 is denoted c.3436_3439delTGTT at the cDNA level and p.Cys1146LeufsX8 at the protein level. This variant, also known as BRCA1 3555del4 using alternate nomenclature, has been reported as a pathogenic variant (Wagner 1999, Audeh 2010, Novakovic 2012). The normal sequence with the bases that are deleted in brackets is GGTT[TGTT]CTGA. The deletion cases a frameshift,which changes a Cysteine to a Leucine at codon 1146, and introduces a premature stop codon at position 8 of the new reading frame. This variant is predicted to cause loss of normal protein function either through protein truncation or nonsense-mediated mRNA decay. we consider this variant to be pathogenic.

Department of Pathology and Laboratory Medicine, Sinai Health System
Classification: Pathogenic for Familial cancer of breast; Breast-ovarian cancer, familial, susceptibility to, 1; Fanconi anemia, complementation group S. Last evaluated: 2012-12-20. Review status: criteria provided, single submitter. Criteria: ACMG Guidelines, 2015. Collection method: clinical testing. Allele origin: germline. Affected: yes. Not counted in ClinVar's aggregate classification.

Center of Medical Genetics and Primary Health Care
Classification: Pathogenic for Familial Breast cancer. Last evaluated: 2020-04-08. Review status: no assertion criteria provided. Collection method: research. Allele origin: germline. Affected: yes. Observed: 1 heterozygote. Not counted in ClinVar's aggregate classification.
Comment: ACMG Guidelines 2015 criteria The BRCA1 p.Cys1146Leufs variant is a known pathogenic variant in exon 11 in a non-functional domain just before the BRSTCANCERI domain (S1180-1200Q aa) (PMID: 10198641) and in a mutational hotspot with 27 pathogenic variants (PM1 Pathogenic Moderate). The deletion causes a frameshift, which changes a Cysteine to a Leucine at codon 1146, and introduces a premature stop codon at position 8 of the new reading frame. This variant is predicted to cause loss of normal protein function either through protein truncation or nonsense-mediated mRNA decay which is an established disease mechanism in hereditary breast and ovarian cancer (PVS1 Pathogenic Very Strong). The variant is not found in GnomAD exomes neither in GnomAD genomes (PM2 Pathogenic Moderate). The variant has been classified as pathogenic by the ClinGen-approved ENIGMA expert panel (ClinVar SCV000299942.2) (PP5 Pathogenic Supporting). 1 pathogenic prediction from GERP versus no benign prediction supports its deleterious effect (PP3 Pathogenic Supporting). Therefore, this variant was classified as a Pathogenic.

Counsyl
Classification: Pathogenic for Breast-ovarian cancer, familial, susceptibility to, 1. Last evaluated: 2016-11-28. Review status: no assertion criteria provided. Collection method: clinical testing. Allele origin: unknown. Not counted in ClinVar's aggregate classification.

Sharing Clinical Reports Project (SCRP)
Classification: Pathogenic for Breast-ovarian cancer, familial 1. Last evaluated: 2012-07-06. Review status: no assertion criteria provided. Collection method: clinical testing. Allele origin: germline. Not counted in ClinVar's aggregate classification.

Department of Pathology and Laboratory Medicine, Sinai Health System
Classification: Pathogenic for Malignant tumor of breast. Review status: no assertion criteria provided. Collection method: clinical testing. Allele origin: unknown. Affected: yes. Study: The Canadian Open Genetics Repository (COGR). Not counted in ClinVar's aggregate classification.
Comment: The p.Cys1146LeufsX8 variant has been previously reported in the literature in one study (Wagner 1999). This deletion variant is predicted to cause a frameshift, which alters the protein's amino acid sequence beginning at codon 1146 and leads to a premature stop codon 8 codons downstream. This alteration is then predicted to lead to a truncated or absent protein and loss of function. Loss of function variants in the BRCA1 gene is an established disease mechanism for hereditary breast and ovarian cancer. In summary, based on the above information, this variant is classified as pathogenic.

Literature cited by the submitters: PubMed 20104584 (cited by Labcorp Genetics (formerly Invitae), Labcorp); PubMed 10644434 (cited by 4 submitters); PubMed 22798144 (cited by 4 submitters); PubMed 22923021 (cited by 4 submitters); PubMed 25452441 (cited by 5 submitters); PubMed 29093764 (cited by Ambry Genetics and Color Diagnostics, LLC DBA Color Health); PubMed 29310832 (cited by Ambry Genetics); PubMed 30630526 (cited by Ambry Genetics and Color Diagnostics, LLC DBA Color Health); PubMed 30675319 (cited by Ambry Genetics); PubMed 33558524 (cited by Color Diagnostics, LLC DBA Color Health and Women's Health and Genetics/Laboratory Corporation of America, LabCorp); PubMed 35281878 (cited by Color Diagnostics, LLC DBA Color Health).